The following is an entry in ClinVar:

NM_133642.5(LARGE1):c.1250T>G (p.Phe417Cys)

Gene: LARGE1 (LARGE xylosyl- and glucuronyltransferase 1; minus strand). Cytogenetic location: 22q12.3.
Variant type: single nucleotide variant.
Coding change: c.1250T>G on transcript NM_133642.5 (MANE Select); coding-DNA position 1250, T replaced by G.
Protein change: p.Phe417Cys; replaces phenylalanine 417 with cysteine.
Molecular consequence: missense variant. On other transcripts: intron variant (2).
Genome position (GRCh38, 1-based): chr22:33,337,683, A>C on the plus strand (T>G on the coding strand, the complement: LARGE1 is on the minus strand). VCF-style: chr22-33337683-A-C. GRCh37 (hg19) VCF-style: chr22-33733669-A-C.
Other names: c.1250T>G, p.Phe417Cys (NM_001362949.2, NM_001362951.2, NM_001362953.2 and 6 more transcripts); c.647T>G, p.Phe216Cys (NM_001378630.1); c.1132-21435T>G (NM_001378629.1); c.529-21435T>G (NM_001378631.1); short protein forms F417C, F216C.
Identifiers: ClinVar variation 2856951 (VCV002856951.3), dbSNP rs2546765661, ClinGen allele CA411543649.

ClinVar aggregate classification (germline): Uncertain significance (1 of 4 stars; one submission).

Conditions:
Muscular dystrophy-dystroglycanopathy type B6 (MDDGB6). Also called: MUSCULAR DYSTROPHY, CONGENITAL, LARGE-RELATED; MUSCULAR DYSTROPHY, CONGENITAL, TYPE 1D; MUSCULAR DYSTROPHY-DYSTROGLYCANOPATHY (CONGENITAL WITH IMPAIRED INTELLECTUAL DEVELOPMENT), TYPE B, 6. Identifiers: MedGen C1837229, MONDO:0012138, OMIM 608840.

Submission:

Labcorp Genetics (formerly Invitae), Labcorp
Classification: Uncertain significance for Muscular dystrophy-dystroglycanopathy type B6. Last evaluated: 2023-04-17. Review status: criteria provided, single submitter. Criteria: Invitae Variant Classification Sherloc (09022015). Collection method: clinical testing. Allele origin: germline.
Comment: In summary, the available evidence is currently insufficient to determine the role of this variant in disease. Therefore, it has been classified as a Variant of Uncertain Significance. Advanced modeling of protein sequence and biophysical properties (such as structural, functional, and spatial information, amino acid conservation, physicochemical variation, residue mobility, and thermodynamic stability) has been performed at Invitae for this missense variant, however the output from this modeling did not meet the statistical confidence thresholds required to predict the impact of this variant on LARGE1 protein function. This variant has not been reported in the literature in individuals affected with LARGE1-related conditions. This variant is not present in population databases (gnomAD no frequency). This sequence change replaces phenylalanine, which is neutral and non-polar, with cysteine, which is neutral and slightly polar, at codon 417 of the LARGE1 protein (p.Phe417Cys).